The following is an entry in ClinVar:

ClinVar aggregate classification (germline): Uncertain significance (1 of 4 stars; one submission).

Conditions:
Fanconi anemia (FA). Also called: Fanconi's anemia. Identifiers: Orphanet 84, MedGen C0015625, MeSH D005199, MONDO:0019391.

gnomAD v4.1: 4 of 1,613,086 alleles (0.00025%); highest among the groups gnomAD compares: South Asian, 0.0044%; no homozygotes.

Submission:

Labcorp Genetics (formerly Invitae), Labcorp
Classification: Uncertain significance for Fanconi anemia. Last evaluated: 2025-08-15. Review status: criteria provided, single submitter. Criteria: Invitae Variant Classification Sherloc (09022015). Collection method: clinical testing. Allele origin: germline.
Comment: This sequence change replaces asparagine, which is neutral and polar, with aspartic acid, which is acidic and polar, at codon 278 of the FANCL protein (p.Asn278Asp). This variant is present in population databases (no rsID available, gnomAD 0.003%). This variant has not been reported in the literature in individuals affected with FANCL-related conditions. Invitae Evidence Modeling of protein sequence and biophysical properties (such as structural, functional, and spatial information, amino acid conservation, physicochemical variation, residue mobility, and thermodynamic stability) indicates that this missense variant is not expected to disrupt FANCL protein function with a negative predictive value of 80%. In summary, the available evidence is currently insufficient to determine the role of this variant in disease. Therefore, it has been classified as a Variant of Uncertain Significance.

NM_018062.4(FANCL):c.832A>G (p.Asn278Asp)

Gene: FANCL (FA complementation group L; minus strand). Cytogenetic location: 2p16.1.
Variant type: single nucleotide variant.
Coding change: c.832A>G on transcript NM_018062.4 (MANE Select); coding-DNA position 832, A replaced by G.
Protein change: p.Asn278Asp; replaces asparagine 278 with aspartic acid.
Molecular consequence: missense variant. On other transcripts: non-coding transcript variant (1).
Genome position (GRCh38, 1-based): chr2:58,162,937, T>C on the plus strand (A>G on the coding strand, the complement: FANCL is on the minus strand). VCF-style: chr2-58162937-T-C. GRCh37 (hg19) VCF-style: chr2-58390072-T-C.
Other names: c.847A>G, p.Asn283Asp (NM_001114636.2, NM_001438890.1); c.877A>G, p.Asn293Asp (NM_001374615.1, NM_001438889.1); c.892A>G, p.Asn298Asp (NM_001410792.1); c.832A>G, p.Asn278Asp (NM_001438891.1); c.388A>G, p.Asn130Asp (NM_001438892.1); short protein forms N130D, N283D, N293D, N278D, N298D.
Identifiers: ClinVar variation 4762728 (VCV004762728.1).
Genomic context (GRCh38, chr2:58,162,937, plus strand): 5'-GGATAGCACGAGCTGGAAAATCAATTTCTAAAACATCTTTCAAATTTTGTAACACACTAT[T>C]TTCTGGATCCCTGAAAGCATGGGGAAAAAAATTATGCTGTGAACTTTGTAAAATCACCAA-3'
Protein context (NP_060532.2, residues 268-288): SRNIHLWDPE[Asn278Asp]SVLQNLKDVL